The following is an entry in ClinVar:

ClinVar aggregate classification (germline): Conflicting classifications of pathogenicity. Review status: criteria provided, conflicting classifications (1 of 4 stars). 5 submissions from 5 submitters: Uncertain significance (1); Benign (2); Likely benign (2). Last evaluated 2026-01-09.

Conditions:
Bartter disease type 1. Also called: Bartter syndrome, type 1, antenatal; HYPERPROSTAGLANDIN E SYNDROME 1; Bartter Syndrome type 1; HYPOKALEMIC ALKALOSIS WITH HYPERCALCIURIA 1, ANTENATAL. Identifiers: Orphanet 112, Orphanet 620217, MedGen C1866495, MONDO:0100344, OMIM 601678, MONDO:0011127.

Allele frequency attached by ClinVar (database versions not stated): 1000 Genomes Project 30x 0.00031; 1000 Genomes Project 0.00040; gnomAD exomes 0.00061 and 0.00092; gnomAD 0.00062 and 0.00064; TOPMed 0.00082; ESP Exome Variant Server 0.00085; ExAC 0.00110.
gnomAD v4.1: 986 of 1,571,104 alleles (0.063%); highest among the groups gnomAD compares: Middle Eastern, 0.27%; 1 homozygote.

Submissions (5):

Labcorp Genetics (formerly Invitae), Labcorp
Classification: Benign. Last evaluated: 2026-01-09. Review status: criteria provided, single submitter. Criteria: Invitae Variant Classification Sherloc (09022015). Collection method: clinical testing. Allele origin: germline.

Blueprint Genetics
Classification: Likely benign. Last evaluated: 2024-11-19. Review status: criteria provided, single submitter. Criteria: ACMG Guidelines, 2015. Collection method: clinical testing. Allele origin: germline.

Athena Diagnostics
Classification: Benign. Last evaluated: 2024-07-30. Review status: criteria provided, single submitter. Criteria: Athena Diagnostics Criteria. Collection method: clinical testing. Allele origin: unknown.

CeGaT Center for Human Genetics Tuebingen
Classification: Likely benign. Last evaluated: 2022-05-01. Review status: criteria provided, single submitter. Criteria: CeGaT Center For Human Genetics Tuebingen Variant Classification Criteria Version 2. Collection method: clinical testing. Allele origin: germline. Affected: yes. Observed: 2 variant alleles.
Comment: SLC12A1: BP4

Illumina Laboratory Services, Illumina
Classification: Uncertain significance for Bartter disease type 1. Last evaluated: 2018-01-13. Review status: criteria provided, single submitter. Criteria: ICSL Variant Classification Criteria 13 December 2019. Collection method: clinical testing. Allele origin: germline.

NM_000338.3(SLC12A1):c.3096+7A>T

Gene: SLC12A1 (solute carrier family 12 member 1; plus strand). Cytogenetic location: 15q21.1.
Variant type: single nucleotide variant.
Coding change: c.3096+7A>T on transcript NM_000338.3 (MANE Select); 7 bases into the intron after coding-DNA position 3096, A replaced by T.
Molecular consequence: intron variant.
Genome position (GRCh38, 1-based): chr15:48,299,282, A>T. VCF-style: chr15-48299282-A-T. GRCh37 (hg19) VCF-style: chr15-48591479-A-T.
Other names: c.3096+7A>T (NM_001184832.2).
Identifiers: ClinVar variation 316280 (VCV000316280.58), dbSNP rs200662267, ClinGen allele CA7547580.